The following is an entry in ClinVar:

ClinVar aggregate classification (germline): Uncertain significance (1 of 4 stars; one submission).

Submission:

Labcorp Genetics (formerly Invitae), Labcorp
Classification: Uncertain significance. Last evaluated: 2022-08-15. Review status: criteria provided, single submitter. Criteria: Invitae Variant Classification Sherloc (09022015). Collection method: clinical testing. Allele origin: germline.
Comment: In summary, the available evidence is currently insufficient to determine the role of this variant in disease. Therefore, it has been classified as a Variant of Uncertain Significance. Algorithms developed to predict the effect of missense changes on protein structure and function are either unavailable or do not agree on the potential impact of this missense change (SIFT: "Deleterious"; PolyPhen-2: "Benign"; Align-GVGD: "Class C0"). ClinVar contains an entry for this variant (Variation ID: 1371741). This variant has not been reported in the literature in individuals affected with CACNA1E-related conditions. This variant is not present in population databases (gnomAD no frequency). This sequence change replaces valine, which is neutral and non-polar, with alanine, which is neutral and non-polar, at codon 346 of the CACNA1E protein (p.Val346Ala).

NM_001205293.3(CACNA1E):c.1037T>C (p.Val346Ala)

Gene: CACNA1E (calcium voltage-gated channel subunit alpha1 E; plus strand). Cytogenetic location: 1q25.3.
Variant type: single nucleotide variant.
Coding change: c.1037T>C on transcript NM_001205293.3 (MANE Select); coding-DNA position 1037, T replaced by C.
Protein change: p.Val346Ala; replaces valine 346 with alanine.
Molecular consequence: missense variant.
Genome position (GRCh38, 1-based): chr1:181,651,423, T>C. VCF-style: chr1-181651423-T-C. GRCh37 (hg19) VCF-style: chr1-181620559-T-C.
Other names: c.1037T>C, p.Val346Ala (NM_000721.4, NM_001205294.2); short protein forms V346A.
Identifiers: ClinVar variation 1371741 (VCV001371741.6), dbSNP rs2102063188, ClinGen allele CA343846635.
Genomic context (GRCh38, chr1:181,651,423, plus strand): 5'-GGAATTGGCTGTACTTCATCCCCCTCATCATCATTGGATCCTTCTTTGTTCTCAACCTAG[T>C]CCTGGGAGTGCTTTCCGGGTGAGCCAGATGTTTCTCTCTTCTTAACTCATTTGCTGACTG-3'
Protein context (NP_001192222.1, residues 336-356): IIGSFFVLNL[Val346Ala]LGVLSGEFAK